The following is an entry in ClinVar:

ClinVar aggregate classification (germline): Likely benign. Review status: criteria provided, multiple submitters, no conflicts (2 of 4 stars). 3 submissions from 3 submitters: Likely benign (2). 1 of the submissions does not count toward it. Last evaluated 2025-12-31.

Conditions:
Menkes kinky-hair syndrome (MNK). Also called: Menkes Disease; Copper transport disease; Classic Menkes Disease. Identifiers: Orphanet 565, MedGen C0022716, MONDO:0010651, OMIM 309400.
Cutis laxa, X-linked (OHS). Also called: EDS IX; Occipital horn syndrome. Identifiers: Orphanet 198, MedGen C0268353, MONDO:0010572, OMIM 304150.
X-linked distal spinal muscular atrophy type 3. Also called: ATP7A-Related Distal Motor Neuropathy; SPINAL MUSCULAR ATROPHY, DISTAL, X-LINKED RECESSIVE; NEURONOPATHY, DISTAL HEREDITARY MOTOR, X-LINKED; NEUROPATHY, DISTAL HEREDITARY MOTOR, X-LINKED. Identifiers: Orphanet 139557, MedGen C1845359, MONDO:0010338, OMIM 300489.
Intellectual disability. Also called: intellectual disabilities; Intellectual developmental disorder; Intellectual functioning disability. Identifiers: MedGen C3714756, MeSH D008607, MONDO:0001071, HP:0001249.

Allele frequency attached by ClinVar (database versions not stated): gnomAD exomes 0.00001 and 0.00007; ExAC 0.00008; gnomAD 0.00015 and 0.00014; ESP Exome Variant Server 0.00009; TOPMed 0.00022.
gnomAD v4.1: 29 of 1,208,752 alleles (0.0024%); highest among the groups gnomAD compares: African/African-American, 0.033%; no homozygotes.

Submissions (3):

Labcorp Genetics (formerly Invitae), Labcorp
Classification: Likely benign for X-linked distal spinal muscular atrophy type 3; Cutis laxa, X-linked; Menkes kinky-hair syndrome. Last evaluated: 2025-12-31. Review status: criteria provided, single submitter. Criteria: Invitae Variant Classification Sherloc (09022015). Collection method: clinical testing. Allele origin: germline.

Mayo Clinic Laboratories, Mayo Clinic
Classification: Likely benign. Last evaluated: 2025-05-02. Review status: criteria provided, single submitter. Criteria: ACMG Guidelines, 2015. Collection method: clinical testing. Allele origin: germline. Observed: 1 variant allele.
Comment: BS1, BS2_supporting, BP4

Centre de Biologie Pathologie Génétique, Centre Hospitalier Universitaire de Lille
Classification: Likely benign for Intellectual disability. Last evaluated: 2019-01-01. Review status: no assertion criteria provided. Collection method: clinical testing. Allele origin: inherited. Affected: yes. Not counted in ClinVar's aggregate classification.

NM_000052.7(ATP7A):c.3479C>T (p.Ser1160Leu)

Gene: ATP7A (ATPase copper transporting alpha; plus strand). Cytogenetic location: Xq21.1.
Variant type: single nucleotide variant.
Coding change: c.3479C>T on transcript NM_000052.7 (MANE Select); coding-DNA position 3479, C replaced by T.
Protein change: p.Ser1160Leu; replaces serine 1160 with leucine.
Molecular consequence: missense variant. On other transcripts: non-coding transcript variant (1).
Genome position (GRCh38, 1-based): chrX:78,033,789, C>T. VCF-style: chrX-78033789-C-T. GRCh37 (hg19) VCF-style: chrX-77289287-C-T.
Other names: p.Ser1160Leu; c.3245C>T, p.Ser1082Leu (NM_001282224.2); short protein forms S1082L, S1160L.
Identifiers: ClinVar variation 975654 (VCV000975654.11), dbSNP rs149576827, ClinGen allele CA10459418.
Genomic context (GRCh38, chrX:78,033,789, plus strand): 5'-ATAATATTAAAAATGCATCCCTGGTTCAAATTGATGCCAGTAATGAACAGTCATCAACTT[C>T]GTCTTCCATGATTATTGATGCCCAGATCTCAAGTAAGCTAATTTTCTTTGTAGTACCAAT-3'
Protein context (NP_000043.4, residues 1150-1170): IDASNEQSST[Ser1160Leu]SSMIIDAQIS